The following is an entry in ClinVar:

ClinVar aggregate classification (germline): Uncertain significance (1 of 4 stars; one submission).

gnomAD v4.1: 3 of 1,611,370 alleles (0.00019%); highest among the groups gnomAD compares: Middle Eastern, 0.017%; no homozygotes.

Submission:

Labcorp Genetics (formerly Invitae), Labcorp
Classification: Uncertain significance. Last evaluated: 2024-07-21. Review status: criteria provided, single submitter. Criteria: Invitae Variant Classification Sherloc (09022015). Collection method: clinical testing. Allele origin: germline.
Comment: This sequence change replaces serine, which is neutral and polar, with arginine, which is basic and polar, at codon 377 of the GATA5 protein (p.Ser377Arg). This variant is not present in population databases (gnomAD no frequency). This variant has not been reported in the literature in individuals affected with GATA5-related conditions. An algorithm developed to predict the effect of missense changes on protein structure and function (PolyPhen-2) suggests that this variant is likely to be tolerated. In summary, the available evidence is currently insufficient to determine the role of this variant in disease. Therefore, it has been classified as a Variant of Uncertain Significance.

NM_080473.5(GATA5):c.1131C>G (p.Ser377Arg)

Gene: GATA5 (GATA binding protein 5; minus strand). Cytogenetic location: 20q13.33.
Variant type: single nucleotide variant.
Coding change: c.1131C>G on transcript NM_080473.5 (MANE Select); coding-DNA position 1131, C replaced by G.
Protein change: p.Ser377Arg; replaces serine 377 with arginine.
Molecular consequence: missense variant.
Genome position (GRCh38, 1-based): chr20:62,464,899, G>C on the plus strand (C>G on the coding strand, the complement: GATA5 is on the minus strand). VCF-style: chr20-62464899-G-C. GRCh37 (hg19) VCF-style: chr20-61039955-G-C.
Other names: short protein forms S377R.
Identifiers: ClinVar variation 3680916 (VCV003680916.2).